The following is an entry in ClinVar:

NM_000751.3(CHRND):c.620-14T>C

Gene: CHRND (cholinergic receptor nicotinic delta subunit; plus strand). Cytogenetic location: 2q37.1.
Variant type: single nucleotide variant.
Coding change: c.620-14T>C on transcript NM_000751.3 (MANE Select); 14 bases into the intron before coding-DNA position 620, T replaced by C.
Molecular consequence: intron variant.
Genome position (GRCh38, 1-based): chr2:232,529,925, T>C. VCF-style: chr2-232529925-T-C. GRCh37 (hg19) VCF-style: chr2-233394635-T-C.
Other names: c.238+1269T>C (NM_001311195.2); c.317-14T>C (NM_001311196.2); c.575-14T>C (NM_001256657.2).
Identifiers: ClinVar variation 4737039 (VCV004737039.1).

ClinVar aggregate classification (germline): Uncertain significance (1 of 4 stars; one submission).

Conditions:
Lethal multiple pterygium syndrome (LMPS). Identifiers: Orphanet 33108, MedGen C1854678, MONDO:0009668, OMIM 253290.

Submission:

Labcorp Genetics (formerly Invitae), Labcorp
Classification: Uncertain significance for Lethal multiple pterygium syndrome. Last evaluated: 2025-07-08. Review status: criteria provided, single submitter. Criteria: Invitae Variant Classification Sherloc (09022015). Collection method: clinical testing. Allele origin: germline.
Comment: This sequence change falls in intron 6 of the CHRND gene. It does not directly change the encoded amino acid sequence of the CHRND protein. This variant is not present in population databases (gnomAD no frequency). This variant has not been reported in the literature in individuals affected with CHRND-related conditions. Algorithms developed to predict the effect of sequence changes on RNA splicing suggest that this variant may disrupt the consensus splice site. In summary, the available evidence is currently insufficient to determine the role of this variant in disease. Therefore, it has been classified as a Variant of Uncertain Significance.